The following is an entry in ClinVar:

NM_014915.3(ANKRD26):c.49G>C (p.Ala17Pro)

Genes: ANKRD26 (ankyrin repeat domain containing 26; minus strand), LOC130003554 (ATAC-STARR-seq lymphoblastoid silent region 2243; plus strand). Cytogenetic location: 10p12.1.
Variant type: single nucleotide variant.
Coding change: c.49G>C on transcript NM_014915.3 (MANE Select); coding-DNA position 49, G replaced by C.
Protein change: p.Ala17Pro; replaces alanine 17 with proline.
Molecular consequence: missense variant.
Genome position (GRCh38, 1-based): chr10:27,100,278, C>G on the plus strand (G>C on the coding strand, the complement: ANKRD26 is on the minus strand). VCF-style: chr10-27100278-C-G. GRCh37 (hg19) VCF-style: chr10-27389207-C-G.
Other names: c.49G>C, p.Ala17Pro (NM_001256053.2); short protein forms A17P.
Identifiers: ClinVar variation 3914035 (VCV003914035.1).

ClinVar aggregate classification (germline): Uncertain significance (1 of 4 stars; one submission).

Conditions:
Inborn genetic diseases. Identifiers: MedGen C0950123, MeSH D030342.

Submission:

Ambry Genetics
Classification: Uncertain significance for Inborn genetic diseases. Last evaluated: 2025-05-02. Review status: criteria provided, single submitter. Criteria: Ambry Variant Classification Scheme 2023. Collection method: clinical testing. Allele origin: germline.
Comment: The p.A17P variant (also known as c.49G>C), located in coding exon 1 of the ANKRD26 gene, results from a G to C substitution at nucleotide position 49. The alanine at codon 17 is replaced by proline, an amino acid with highly similar properties. This amino acid position is conserved. In addition, this alteration is predicted to be tolerated by in silico analysis. Based on the available evidence, the clinical significance of this variant remains unclear.